The following is an entry in ClinVar:

NM_000057.4(BLM):c.205G>A (p.Glu69Lys)

Gene: BLM (BLM RecQ like helicase; plus strand). Cytogenetic location: 15q26.1.
Variant type: single nucleotide variant.
Coding change: c.205G>A on transcript NM_000057.4 (MANE Select); coding-DNA position 205, G replaced by A.
Protein change: p.Glu69Lys; replaces glutamic acid 69 with lysine.
Molecular consequence: missense variant. On other transcripts: 5 prime UTR variant (1).
Genome position (GRCh38, 1-based): chr15:90,749,473, G>A. VCF-style: chr15-90749473-G-A. GRCh37 (hg19) VCF-style: chr15-91292703-G-A.
Other names: c.205G>A (LRG_20t1); c.205G>A, p.Glu69Lys (NM_001287246.2, NM_001287247.2); c.-1087G>A (NM_001287248.2); short protein forms E69K.
Identifiers: ClinVar variation 191064 (VCV000191064.27), dbSNP rs746195311, ClinGen allele CA235943.

ClinVar aggregate classification (germline): Conflicting classifications of pathogenicity. Review status: criteria provided, conflicting classifications (1 of 4 stars). 12 submissions from 12 submitters: Uncertain significance (9); Likely benign (1). 2 of the submissions do not count toward it. Last evaluated 2026-01-20.

Conditions:
Hereditary cancer-predisposing syndrome. Also called: Hereditary Cancer Syndrome; Neoplastic Syndromes, Hereditary; Hereditary neoplastic syndrome; Tumor predisposition. Identifiers: Orphanet 140162, MedGen C0027672, MeSH D009386, MONDO:0015356.
Bloom syndrome (BLM). Also called: Bloom-Torre-Machacek syndrome. Identifiers: Orphanet 125, MedGen C0005859, MONDO:0008876, OMIM 210900.

Allele frequency attached by ClinVar (database versions not stated): gnomAD below 0.00001 and 0.00004; TOPMed 0.00002; gnomAD exomes 0.00007 and 0.00011; ExAC 0.00012.
gnomAD v4.1: 108 of 1,613,598 alleles (0.0067%); highest among the groups gnomAD compares: South Asian, 0.072%; 1 homozygote.

Submissions (12):

Labcorp Genetics (formerly Invitae), Labcorp
Classification: Uncertain significance for Bloom syndrome. Last evaluated: 2026-01-20. Review status: criteria provided, single submitter. Criteria: Invitae Variant Classification Sherloc (09022015). Collection method: clinical testing. Allele origin: germline.
Comment: This sequence change replaces glutamic acid, which is acidic and polar, with lysine, which is basic and polar, at codon 69 of the BLM protein (p.Glu69Lys). The frequency data for this variant in the population databases is considered unreliable, as metrics indicate poor data quality at this position in the gnomAD database. This missense change has been observed in individual(s) with aplastic anemias (PMID: 27124789). ClinVar contains an entry for this variant (Variation ID: 191064). An algorithm developed to predict the effect of missense changes on protein structure and function (PolyPhen-2) suggests that this variant is likely to be tolerated. In summary, the available evidence is currently insufficient to determine the role of this variant in disease. Therefore, it has been classified as a Variant of Uncertain Significance.

Quest Diagnostics Nichols Institute San Juan Capistrano
Classification: Uncertain significance. Last evaluated: 2025-06-10. Review status: criteria provided, single submitter. Criteria: Quest Diagnostics criteria. Collection method: clinical testing. Allele origin: unknown.
Comment: The BLM c.205G>A (p.Glu69Lys) variant has not been reported in individuals with BLM-related conditions in the published literature. This variant has been identified in reportedly unaffected individuals (PMID: 32906206 (2020)) and in an individual with aplastic anemia (PMID: 27124789 (2016)). The frequency of this variant in the general population (Genome Aggregation Database) is higher than would generally be expected for pathogenic variants in this gene. Analysis of this variant using bioinformatics tools for the prediction of the effect of amino acid changes on protein structure and function yielded predictions that this variant is benign. Based on the available information, we are unable to determine the clinical significance of this variant.

GeneDx
Classification: Uncertain significance. Last evaluated: 2024-12-31. Review status: criteria provided, single submitter. Criteria: GeneDx Variant Classification Process June 2021. Collection method: clinical testing. Allele origin: germline. Affected: yes.
Comment: In silico analysis indicates that this missense variant does not alter protein structure/function; Reported in a study to estimate autosomal recessive disease burden through clinical genomics in Saudi population (PMID: 27124789); This variant is associated with the following publications: (PMID: 27124789)

Women's Health and Genetics/Laboratory Corporation of America, LabCorp
Classification: Uncertain significance. Last evaluated: 2022-09-28. Review status: criteria provided, single submitter. Criteria: LabCorp Variant Classification Summary - May 2015. Collection method: clinical testing. Allele origin: germline.
Comment: Variant summary: BLM c.205G>A (p.Glu69Lys) results in a conservative amino acid change located in the RecQ-like DNA helicase BLM, N-terminal domain (IPR032437) of the encoded protein sequence. Five of five in-silico tools predict a benign effect of the variant on protein function. The variant allele was found at a frequency of 0.00011 in 251086 control chromosomes (gnomAD). This frequency is not higher than predicted for a pathogenic variant in BLM causing Bloom Syndrome (0.00011 vs 0.0035), allowing no conclusion about variant significance. To our knowledge c.205G>A has not been reported in the literature in individuals affected with Bloom Syndrome and no experimental evidence demonstrating an impact on protein function has been reported. Six clinical diagnostic laboratories have submitted clinical-significance assessments for this variant to ClinVar after 2014 and all laboratories classified the variant as uncertain significance. Based on the evidence outlined above, the variant was classified as uncertain significance.

Fulgent Genetics
Classification: Uncertain significance for Bloom syndrome. Last evaluated: 2022-03-10. Review status: criteria provided, single submitter. Criteria: ACMG Guidelines, 2015. Collection method: clinical testing. Allele origin: unknown.

Sema4
Classification: Uncertain significance for Hereditary cancer-predisposing syndrome. Last evaluated: 2022-03-10. Review status: criteria provided, single submitter. Criteria: Sema4 Curation Guidelines. Collection method: curation. Allele origin: germline.
Comment: To the best of our knowledge, the BLM c.205G>A (p.E69K) variant has not been reported in individuals with BLM-related disease. This variant was observed in 25/30614 chromosomes in the South Asian population, including no homozygotes, according to the Genome Aggregation Database (PMID: 32461654). The variant has been reported in ClinVar (Variation ID: 191064). In silico tools suggest the impact of the variant on protein function is benign, though these predictions have not been confirmed by functional studies. The evidence is insufficient to meet ACMG/AMP criteria for classifying the variant as benign or pathogenic. Thus, the clinical significance of this variant is currently uncertain.

Ambry Genetics
Classification: Likely benign for Hereditary cancer-predisposing syndrome. Last evaluated: 2021-08-11. Review status: criteria provided, single submitter. Criteria: Ambry Variant Classification Scheme 2023. Collection method: clinical testing. Allele origin: germline.

Mendelics
Classification: Uncertain significance for Bloom syndrome. Last evaluated: 2019-05-28. Review status: criteria provided, single submitter. Criteria: Mendelics Assertion Criteria 2017. Collection method: clinical testing. Allele origin: unknown.

Genomic Research Center, Shahid Beheshti University of Medical Sciences
Classification: Uncertain significance for Bloom syndrome. Last evaluated: 2018-08-07. Review status: criteria provided, single submitter. Criteria: ACMG Guidelines, 2015. Collection method: clinical testing. Allele origin: inherited. Affected: no. Observed: 1 variant allele.

Neuberg Centre For Genomic Medicine, NCGM
Classification: Uncertain significance for Bloom syndrome. Review status: criteria provided, single submitter. Criteria: ACMG Guidelines, 2015. Collection method: clinical testing. Allele origin: germline. Inheritance: Autosomal recessive inheritance. Affected: yes.
Comment: The missense c.205G>A p.Glu69Lys variant in BLM gene has been reported in multiple individuals affected with aplastic anemias Abouelhoda et al., 2016. The variant is reported with allele frequency of 0.01% in gnomAD Exomes and is novel not in any individuals in 1000 Genomes. This variant has been reported to the ClinVar database as Variant of Uncertain Significance multiple submissions. The amino acid change p.Glu69Lys in BLM is predicted as conserved by GERP++ and PhyloP across 100 vertebrates. The amino acid Glu at position 69 is changed to a Lys changing protein sequence and it might alter its composition and physico-chemical properties. For these reasons, this variant has been classified as a Variant of Uncertain Significance VUS.

Counsyl
Classification: Uncertain significance for Bloom syndrome. Last evaluated: 2018-03-19. Review status: no assertion criteria provided. Collection method: clinical testing. Allele origin: unknown. Not counted in ClinVar's aggregate classification.

Genomic Medicine Center of Excellence, King Faisal Specialist Hospital and Research Centre
Classification: Likely pathogenic. Review status: flagged submission. Criteria: ACMG Guidelines, 2015. Collection method: research. Allele origin: germline. Affected: yes. Not counted in ClinVar's aggregate classification.
ClinVar note: Reason: Outlier claim with insufficient supporting evidence

Literature cited by the submitters: PubMed 27124789 (cited by 4 submitters); PubMed 32906206 (cited by Quest Diagnostics Nichols Institute San Juan Capistrano).